The following is an entry in ClinVar:

NM_004415.4(DSP):c.1500C>T (p.Gly500=)

Gene: DSP (desmoplakin; plus strand). Cytogenetic location: 6p24.3.
Variant type: single nucleotide variant.
Coding change: c.1500C>T on transcript NM_004415.4 (MANE Select); coding-DNA position 1500, C replaced by T.
Protein change: p.Gly500=; no amino-acid change (glycine 500 retained).
Molecular consequence: synonymous variant.
Genome position (GRCh38, 1-based): chr6:7,569,266, C>T. VCF-style: chr6-7569266-C-T. GRCh37 (hg19) VCF-style: chr6-7569499-C-T.
Other names: c.1500C>T, p.Gly500= (NM_001008844.3, NM_001319034.2).
Identifiers: ClinVar variation 1171897 (VCV001171897.10), dbSNP rs762086998, ClinGen allele CA448522995.

ClinVar aggregate classification (germline): Likely benign. Review status: criteria provided, multiple submitters, no conflicts (2 of 4 stars). 4 submissions from 4 submitters: Likely benign (4). Last evaluated 2025-09-24.

Conditions:
Cardiovascular phenotype. Identifiers: MedGen CN230736.
Cardiomyopathy (CMYO). Also called: Cardiomyopathies. Identifiers: Orphanet 167848, MedGen C0878544, MONDO:0004994, HP:0001638. Inheritance: Various modes of inheritance.
Arrhythmogenic cardiomyopathy with wooly hair and keratoderma. Also called: Dilated cardiomyopathy with woolly hair and keratoderma; PALMOPLANTAR KERATODERMA WITH LEFT VENTRICULAR CARDIOMYOPATHY AND WOOLLY HAIR; Carvajal syndrome; Arrhythmogenic cardiomyopathy with woolly hair and keratoderma. Identifiers: Orphanet 65282, MedGen C1854063, MONDO:0011581, OMIM 605676.
Arrhythmogenic right ventricular dysplasia 8 (ARVD8). Also called: Arrhythmogenic Right Ventricular Dysplasia/Cardiomyopathy 8; ARRHYTHMOGENIC RIGHT VENTRICULAR DYSPLASIA, FAMILIAL, 8; ARRHYTHMOGENIC RIGHT VENTRICULAR CARDIOMYOPATHY 8. Identifiers: MedGen C1843896, MONDO:0011831, OMIM 607450.

Allele frequency attached by ClinVar (database versions not stated): TOPMed 0.00002.
gnomAD v4.1: 3 of 1,614,006 alleles (0.00019%); highest among the groups gnomAD compares: East Asian, 0.0022%; no homozygotes.

Submissions (4):

Labcorp Genetics (formerly Invitae), Labcorp
Classification: Likely benign for Arrhythmogenic cardiomyopathy with wooly hair and keratoderma; Arrhythmogenic right ventricular dysplasia 8. Last evaluated: 2025-09-24. Review status: criteria provided, single submitter. Criteria: Invitae Variant Classification Sherloc (09022015). Collection method: clinical testing. Allele origin: germline.

All of Us Research Program, National Institutes of Health
Classification: Likely benign for Arrhythmogenic cardiomyopathy with wooly hair and keratoderma. Last evaluated: 2023-09-04. Review status: criteria provided, single submitter. Criteria: ACMG Guidelines, 2015. Collection method: clinical testing. Allele origin: germline. Inheritance: Autosomal dominant inheritance. Observed: 2 variant alleles, 2 heterozygotes.
Comment: This study involves interpretation of variants in research participants for the purpose of population health screening. Participant phenotype was not available at the time of variant classification. Additional details can be found in publication PMID: 35346344, PMCID: PMC8962531

Ambry Genetics
Classification: Likely benign for Cardiovascular phenotype. Last evaluated: 2020-03-22. Review status: criteria provided, single submitter. Criteria: Ambry Variant Classification Scheme 2023. Collection method: clinical testing. Allele origin: germline.

Color Diagnostics, LLC DBA Color Health
Classification: Likely benign for Cardiomyopathy. Last evaluated: 2019-01-20. Review status: criteria provided, single submitter. Criteria: ACMG Guidelines, 2015. Collection method: clinical testing. Allele origin: germline.